The following is an entry in ClinVar:

ClinVar aggregate classification (germline): Pathogenic (1 of 4 stars; one submission).

Conditions:
Frontotemporal dementia and/or amyotrophic lateral sclerosis 4. Also called: FTDALS4. Identifiers: Orphanet 275872, MedGen C4225325, MONDO:0014641, OMIM 616439.

Submission:

Labcorp Genetics (formerly Invitae), Labcorp
Classification: Pathogenic for Frontotemporal dementia and/or amyotrophic lateral sclerosis 4. Last evaluated: 2022-06-02. Review status: criteria provided, single submitter. Criteria: Invitae Variant Classification Sherloc (09022015). Collection method: clinical testing. Allele origin: germline.
Comment: For these reasons, this variant has been classified as Pathogenic. This variant has not been reported in the literature in individuals affected with TBK1-related conditions. This variant is not present in population databases (gnomAD no frequency). This sequence change creates a premature translational stop signal (p.Asp639Glufs*35) in the TBK1 gene. It is expected to result in an absent or disrupted protein product. Loss-of-function variants in TBK1 are known to be pathogenic (PMID: 25803835, 26476236, 26581300).

Literature cited by the submitters: PubMed 25803835; PubMed 26476236; PubMed 26581300.

NM_013254.4(TBK1):c.1917del (p.Asp639fs)

Gene: TBK1 (TANK binding kinase 1; plus strand). Cytogenetic location: 12q14.2.
Variant type: Deletion.
Coding change: c.1917del on transcript NM_013254.4 (MANE Select); coding-DNA position 1917, one base deleted (T; older notation c.1917delT).
Protein change: p.Asp639fs; shifts the reading frame from aspartic acid 639.
Molecular consequence: frameshift variant.
Genome position (GRCh38, 1-based): chr12:64,497,217, T deleted. VCF-style (leftmost placement, unchanged base first): chr12-64497216-AT-A. GRCh37 (hg19) VCF-style: chr12-64890996-AT-A.
Other names: short protein forms D639fs.
Identifiers: ClinVar variation 2002131 (VCV002002131.4), dbSNP rs2539537514, ClinGen allele CA2580086625.